The following is an entry in ClinVar:

NM_002382.5(MAX):c.*297C>T

Gene: MAX (MYC associated transcriptional regulator X; minus strand). Cytogenetic location: 14q23.3.
Variant type: single nucleotide variant.
Coding change: c.*297C>T on transcript NM_002382.5 (MANE Select); 297 bases downstream of the stop codon, C replaced by T.
Molecular consequence: 3 prime UTR variant. On other transcripts: intron variant (2).
Genome position (GRCh38, 1-based): chr14:65,076,179, G>A on the plus strand (C>T on the coding strand, the complement: MAX is on the minus strand). VCF-style: chr14-65076179-G-A. GRCh37 (hg19) VCF-style: chr14-65542897-G-A.
Other names: c.*297C>T (NM_001320415.2, NM_001407094.1, NM_001407095.1 and 7 more transcripts); c.*553C>T (NM_001407096.1, NM_001407099.1, NM_001407102.1 and 2 more transcripts); c.*569C>T (NM_001407097.1, NM_001407100.1, NM_001407101.1 and 4 more transcripts); c.144+17529C>T (NM_001271069.2); c.171+17529C>T (NM_197957.4).
Identifiers: ClinVar variation 313811 (VCV000313811.6), dbSNP rs561525266, ClinGen allele CA10644548.

ClinVar aggregate classification (germline): Benign (1 of 4 stars; one submission).

Conditions:
Pheochromocytoma. Also called: MAX-Related Hereditary Paraganglioma-Pheochromocytoma Syndrome. Identifiers: Orphanet 29072, MedGen C0031511, MONDO:0008233, OMIM 171300, HP:0002666.

Allele frequency attached by ClinVar (database versions not stated): gnomAD 0.00007 and 0.00166; TOPMed 0.00038; 1000 Genomes Project 0.00839; 1000 Genomes Project 30x 0.00890.
gnomAD v4.1: 3,296 of 1,390,352 alleles (0.24%); highest among the groups gnomAD compares: South Asian, 4.9%; 102 homozygotes.

Submission:

Illumina Laboratory Services, Illumina
Classification: Benign for Pheochromocytoma. Last evaluated: 2018-01-13. Review status: criteria provided, single submitter. Criteria: ICSL Variant Classification Criteria 13 December 2019. Collection method: clinical testing. Allele origin: germline.
Comment: This variant was observed in the ICSL laboratory as part of a predisposition screen in an ostensibly healthy population. It had not been previously curated by ICSL or reported in the Human Gene Mutation Database (HGMD: prior to June 1st, 2018), and was therefore a candidate for classification through an automated scoring system. Utilizing variant allele frequency, disease prevalence and penetrance estimates, and inheritance mode, an automated score was calculated to assess if this variant is too frequent to cause the disease. Based on the score and internal cut-off values, a variant classified as benign is not then subjected to further curation. The score for this variant resulted in a classification of benign for this disease.